The following is an entry in ClinVar:

ClinVar aggregate classification (germline): Uncertain significance (1 of 4 stars; one submission).

Conditions:
Cardiovascular phenotype. Identifiers: MedGen CN230736.

Submission:

Ambry Genetics
Classification: Uncertain significance for Cardiovascular phenotype. Last evaluated: 2025-09-11. Review status: criteria provided, single submitter. Criteria: Ambry Variant Classification Scheme 2023. Collection method: clinical testing. Allele origin: germline.
Comment: The p.D291Y variant (also known as c.871G>T), located in coding exon 1 of the KCNJ2 gene, results from a G to T substitution at nucleotide position 871. The aspartic acid at codon 291 is replaced by tyrosine, an amino acid with highly dissimilar properties. This amino acid position is well conserved in available vertebrate species. In addition, this alteration is predicted to be deleterious by in silico analysis. Based on the available evidence, the clinical significance of this variant remains unclear.

NM_000891.3(KCNJ2):c.871G>T (p.Asp291Tyr)

Gene: KCNJ2 (potassium inwardly rectifying channel subfamily J member 2; plus strand). Cytogenetic location: 17q24.3.
Variant type: single nucleotide variant.
Coding change: c.871G>T on transcript NM_000891.3 (MANE Select); coding-DNA position 871, G replaced by T.
Protein change: p.Asp291Tyr; replaces aspartic acid 291 with tyrosine.
Molecular consequence: missense variant.
Genome position (GRCh38, 1-based): chr17:70,175,910, G>T. VCF-style: chr17-70175910-G-T. GRCh37 (hg19) VCF-style: chr17-68172051-G-T.
Other names: short protein forms D291Y.
Identifiers: ClinVar variation 4090491 (VCV004090491.1).